The following is an entry in ClinVar:

NM_014727.3(KMT2B):c.1108GAA[3] (p.Glu373del)

Gene: KMT2B (lysine methyltransferase 2B; plus strand). Cytogenetic location: 19q13.12.
Variant type: Microsatellite.
Coding change: c.1108GAA[3] on transcript NM_014727.3 (MANE Select); three copies in a row of the 3-base unit GAA starting at c.1108; the reference has four copies in a row; one copy, 3 bases deleted; also written c.1117_1119del.
Protein change: p.Glu373del; deletes glutamic acid 373.
Molecular consequence: inframe deletion.
Genome position (GRCh38, 1-based): chr19:35,720,464-35,720,466, GAA deleted; deleting any 3 consecutive bases within chr19:35,720,453-35,720,466 gives the same sequence; the position shown is the placement nearest the transcript's 3' end. VCF-style (leftmost placement, unchanged base first): chr19-35720452-AAAG-A. GRCh37 (hg19) VCF-style: chr19-36211354-AAAG-A.
Other names: c.1106_1108del (NM_014727.3); c.1117_1119del (NM_014727.3); c.1117_1119delGAA (NM_014727.2); short protein forms E373del.
Identifiers: ClinVar variation 1226023 (VCV001226023.15), dbSNP rs201152143, ClinGen allele CA9384181.

ClinVar aggregate classification (germline): Benign/Likely benign. Review status: criteria provided, multiple submitters, no conflicts (2 of 4 stars). 5 submissions from 5 submitters: Benign (4); Likely benign (1). Last evaluated 2026-02-02.

Conditions:
KMT2B-related disorder. Also called: KMT2B-related condition; KMT2B-related disorders. Identifiers: MedGen CN381338.
Dystonia 28, childhood-onset (DYT28). Also called: KMT2B-Related Dystonia (DYT-KMT2B). Identifiers: Orphanet 589618, MedGen C4310633, MONDO:0015004, OMIM 617284.

Submissions (5):

Labcorp Genetics (formerly Invitae), Labcorp
Classification: Benign. Last evaluated: 2026-02-02. Review status: criteria provided, single submitter. Criteria: Invitae Variant Classification Sherloc (09022015). Collection method: clinical testing. Allele origin: germline.

PreventionGenetics, part of Exact Sciences
Classification: Benign for KMT2B-related condition. Last evaluated: 2025-09-23. Review status: criteria provided, single submitter. Criteria: ACMG Guidelines, 2015. Collection method: clinical testing. Allele origin: germline.
Comment: This variant is classified as benign based on ACMG/AMP sequence variant interpretation guidelines (Richards et al. 2015 PMID: 25741868, with internal and published modifications).

Fulgent Genetics
Classification: Likely benign for Dystonia 28, childhood-onset. Last evaluated: 2021-09-27. Review status: criteria provided, single submitter. Criteria: ACMG Guidelines, 2015. Collection method: clinical testing. Allele origin: unknown.

Laboratorio de Genetica e Diagnostico Molecular, Hospital Israelita Albert Einstein
Classification: Benign. Last evaluated: 2020-01-17. Review status: criteria provided, single submitter. Criteria: ACMG Guidelines, 2015. Collection method: clinical testing. Allele origin: germline. Affected: yes.
Comment: ACMG classification criteria: BA1

GeneDx
Classification: Benign. Last evaluated: 2019-12-30. Review status: criteria provided, single submitter. Criteria: GeneDx Variant Classification Process June 2021. Collection method: clinical testing. Allele origin: germline. Affected: yes.